The following is an entry in ClinVar:

ClinVar aggregate classification (germline): Uncertain significance (1 of 4 stars; one submission).

Submission:

GeneDx
Classification: Uncertain significance. Last evaluated: 2025-06-12. Review status: criteria provided, single submitter. Criteria: GeneDx Variant Classification Process June 2021. Collection method: clinical testing. Allele origin: germline. Affected: yes.
Comment: Not observed at significant frequency in large population cohorts (gnomAD); In silico analysis suggests that this missense variant does not alter protein structure/function; Has not been previously published as pathogenic or benign to our knowledge

NM_003718.5(CDK13):c.3328T>A (p.Phe1110Ile)

Gene: CDK13 (cyclin dependent kinase 13; plus strand). Cytogenetic location: 7p14.1.
Variant type: single nucleotide variant.
Coding change: c.3328T>A on transcript NM_003718.5 (MANE Select); coding-DNA position 3328, T replaced by A.
Protein change: p.Phe1110Ile; replaces phenylalanine 1110 with isoleucine.
Molecular consequence: missense variant. On other transcripts: intron variant (1).
Genome position (GRCh38, 1-based): chr7:40,092,877, T>A. VCF-style: chr7-40092877-T-A. GRCh37 (hg19) VCF-style: chr7-40132476-T-A.
Other names: c.3236-88T>A (NM_031267.3); short protein forms F1110I.
Identifiers: ClinVar variation 4537679 (VCV004537679.1).